The following is an entry in ClinVar:

NM_002303.6(LEPR):c.1501C>T (p.Gln501Ter)

Gene: LEPR (leptin receptor; plus strand). Cytogenetic location: 1p31.3.
Variant type: single nucleotide variant.
Coding change: c.1501C>T on transcript NM_002303.6 (MANE Select); coding-DNA position 1501, C replaced by T.
Protein change: p.Gln501Ter; replaces glutamine 501 with a stop codon.
Molecular consequence: nonsense.
Genome position (GRCh38, 1-based): chr1:65,605,135, C>T. VCF-style: chr1-65605135-C-T. GRCh37 (hg19) VCF-style: chr1-66070818-C-T.
Other names: c.1501C>T, p.Gln501Ter (NM_001003679.3, NM_001003680.3, NM_001198687.2 and 2 more transcripts); short protein forms Q501*.
Identifiers: ClinVar variation 3345031 (VCV003345031.1).

ClinVar aggregate classification (germline): Likely pathogenic (0 of 4 stars; one submission).

Conditions:
LEPR-related disorder. Also called: LEPR-related condition; LEPR-related disorders.

Submission:

PreventionGenetics, part of Exact Sciences
Classification: Likely pathogenic for LEPR-related condition. Last evaluated: 2024-06-23. Review status: no assertion criteria provided. Collection method: clinical testing. Allele origin: germline.
Comment: The LEPR c.1501C>T variant is predicted to result in premature protein termination (p.Gln501*). To our knowledge, this variant has not been reported in the literature or in a large population database, indicating this variant is rare. Nonsense variants in LEPR are expected to be pathogenic. This variant is interpreted as likely pathogenic.